The following is an entry in ClinVar:

NM_032608.7(MYO18B):c.7199G>A (p.Gly2400Glu)

Gene: MYO18B (myosin XVIIIB; plus strand). Cytogenetic location: 22q12.1.
Variant type: single nucleotide variant.
Coding change: c.7199G>A on transcript NM_032608.7 (MANE Select); coding-DNA position 7199, G replaced by A.
Protein change: p.Gly2400Glu; replaces glycine 2400 with glutamic acid.
Molecular consequence: missense variant.
Genome position (GRCh38, 1-based): chr22:26,027,173, G>A. VCF-style: chr22-26027173-G-A. GRCh37 (hg19) VCF-style: chr22-26423139-G-A.
Other names: c.7202G>A, p.Gly2401Glu (NM_001318245.2); short protein forms G2400E, G2401E.
Identifiers: ClinVar variation 1428399 (VCV001428399.3), dbSNP rs761463236, ClinGen allele CA10161722.
Genomic context (GRCh38, chr22:26,027,173, plus strand): 5'-TGCGTCCTCGGAGGCGGTGTCTGGAGTCCTCTGTGGACGATGCGGGCTGTCCAGACCTTG[G>A]AAAGGAGCCGCTTGTTTTCCAGAACCGCCAGTTTGCCCACCTGATGGAGGAACCTCTAGG-3'
Protein context (NP_115997.5, residues 2390-2410): SVDDAGCPDL[Gly2400Glu]KEPLVFQNRQ

ClinVar aggregate classification (germline): Uncertain significance (1 of 4 stars; one submission).

Allele frequency attached by ClinVar (database versions not stated): ExAC 0.00001; gnomAD exomes 0.00002 and 0.00004; TOPMed 0.00002; gnomAD 0.00005.
gnomAD v4.1: 68 of 1,613,850 alleles (0.0042%); highest among the groups gnomAD compares: Non-Finnish European, 0.0056%; no homozygotes.

Submission:

Labcorp Genetics (formerly Invitae), Labcorp
Classification: Uncertain significance. Last evaluated: 2022-09-14. Review status: criteria provided, single submitter. Criteria: Invitae Variant Classification Sherloc (09022015). Collection method: clinical testing. Allele origin: germline.
Comment: This sequence change replaces glycine, which is neutral and non-polar, with glutamic acid, which is acidic and polar, at codon 2400 of the MYO18B protein (p.Gly2400Glu). The frequency data for this variant in the population databases is considered unreliable, as metrics indicate poor data quality at this position in the gnomAD database. This variant has not been reported in the literature in individuals affected with MYO18B-related conditions. ClinVar contains an entry for this variant (Variation ID: 1428399). Algorithms developed to predict the effect of missense changes on protein structure and function are either unavailable or do not agree on the potential impact of this missense change (SIFT: "Not Available"; PolyPhen-2: "Probably Damaging"; Align-GVGD: "Not Available"). In summary, the available evidence is currently insufficient to determine the role of this variant in disease. Therefore, it has been classified as a Variant of Uncertain Significance.